The following is an entry in ClinVar:

ClinVar aggregate classification (germline): Likely pathogenic (1 of 4 stars; one submission).

Submission:

Labcorp Genetics (formerly Invitae), Labcorp
Classification: Likely pathogenic. Last evaluated: 2025-04-08. Review status: criteria provided, single submitter. Criteria: Invitae Variant Classification Sherloc (09022015). Collection method: clinical testing. Allele origin: germline.
Comment: This sequence change replaces alanine, which is neutral and non-polar, with threonine, which is neutral and polar, at codon 2082 of the ABCA4 protein (p.Ala2082Thr). This variant is not present in population databases (gnomAD no frequency). This variant has not been reported in the literature in individuals affected with ABCA4-related conditions. Invitae Evidence Modeling of protein sequence and biophysical properties (such as structural, functional, and spatial information, amino acid conservation, physicochemical variation, residue mobility, and thermodynamic stability) indicates that this missense variant is expected to disrupt ABCA4 protein function with a positive predictive value of 95%. This variant disrupts the p.Ala2082 amino acid residue in ABCA4. Other variant(s) that disrupt this residue have been determined to be pathogenic (internal data). This suggests that this residue is clinically significant, and that variants that disrupt this residue are likely to be disease-causing. In summary, the currently available evidence indicates that the variant is pathogenic, but additional data are needed to prove that conclusively. Therefore, this variant has been classified as Likely Pathogenic.

NM_000350.3(ABCA4):c.6244G>A (p.Ala2082Thr)

Gene: ABCA4 (ATP binding cassette subfamily A member 4; minus strand). Cytogenetic location: 1p22.1.
Variant type: single nucleotide variant.
Coding change: c.6244G>A on transcript NM_000350.3 (MANE Select); coding-DNA position 6244, G replaced by A.
Protein change: p.Ala2082Thr; replaces alanine 2082 with threonine.
Molecular consequence: missense variant.
Genome position (GRCh38, 1-based): chr1:94,001,896, C>T on the plus strand (G>A on the coding strand, the complement: ABCA4 is on the minus strand). VCF-style: chr1-94001896-C-T. GRCh37 (hg19) VCF-style: chr1-94467452-C-T.
Other names: c.6022G>A, p.Ala2008Thr (NM_001425324.1); short protein forms A2082T, A2008T.
Identifiers: ClinVar variation 4745891 (VCV004745891.1).